The following is an entry in ClinVar:

ClinVar aggregate classification (germline): Benign (1 of 4 stars; one submission).

Allele frequency attached by ClinVar (database versions not stated): TOPMed 0.39519; gnomAD 0.39621 and 0.39658; 1000 Genomes Project 0.41873.
gnomAD v4.1: 60,261 of 151,452 alleles (40%); highest among the groups gnomAD compares: East Asian, 49%; 12,058 homozygotes.

Submission:

GeneDx
Classification: Benign. Last evaluated: 2018-06-12. Review status: criteria provided, single submitter. Criteria: GeneDx Variant Classification (06012015). Collection method: clinical testing. Allele origin: germline. Affected: yes.
Comment: This variant is considered likely benign or benign based on one or more of the following criteria: it is a conservative change, it occurs at a poorly conserved position in the protein, it is predicted to be benign by multiple in silico algorithms, and/or has population frequency not consistent with disease.

NM_015450.3(POT1):c.1164-188A>T

Gene: POT1 (protection of telomeres 1; minus strand). Cytogenetic location: 7q31.33.
Variant type: single nucleotide variant.
Coding change: c.1164-188A>T on transcript NM_015450.3 (MANE Select); 188 bases into the intron before coding-DNA position 1164, A replaced by T.
Molecular consequence: intron variant.
Genome position (GRCh38, 1-based): chr7:124,841,366, T>A on the plus strand (A>T on the coding strand, the complement: POT1 is on the minus strand). VCF-style: chr7-124841366-T-A. GRCh37 (hg19) VCF-style: chr7-124481420-T-A.
Other names: c.771-188A>T (NM_001042594.2).
Identifiers: ClinVar variation 677013 (VCV000677013.1), dbSNP rs4728010, ClinGen allele CA166104667.
Genomic context (GRCh38, chr7:124,841,366, plus strand): 5'-TTATGTAAATTATGGAGATAATTCACTTTGCAGAACAAATAACTTTTTTTCAATAGATAA[T>A]TATTTGATATTTTGTGGGTAAGTATATCCAAATCATATTTACATTAACTACCAGTGATTT-3'